The following is an entry in ClinVar:

ClinVar aggregate classification (germline): Conflicting classifications of pathogenicity. Review status: criteria provided, conflicting classifications (1 of 4 stars). 2 submissions from 2 submitters: Uncertain significance (1); Likely benign (1). Last evaluated 2023-10-26.

Allele frequency attached by ClinVar (database versions not stated): gnomAD exomes below 0.00001; ExAC 0.00001.
gnomAD v4.1: 6 of 1,592,456 alleles (0.00038%); highest among the groups gnomAD compares: Non-Finnish European, 0.00051%; no homozygotes.

Submissions (2):

Blueprint Genetics
Classification: Likely benign. Last evaluated: 2023-10-26. Review status: criteria provided, single submitter. Criteria: ACMG Guidelines, 2015. Collection method: clinical testing. Allele origin: germline.

Labcorp Genetics (formerly Invitae), Labcorp
Classification: Uncertain significance. Last evaluated: 2023-09-17. Review status: criteria provided, single submitter. Criteria: Invitae Variant Classification Sherloc (09022015). Collection method: clinical testing. Allele origin: germline.
Comment: In summary, the available evidence is currently insufficient to determine the role of this variant in disease. Therefore, it has been classified as a Variant of Uncertain Significance. Variants that disrupt the consensus splice site are a relatively common cause of aberrant splicing (PMID: 17576681, 9536098). Algorithms developed to predict the effect of sequence changes on RNA splicing suggest that this variant is not likely to affect RNA splicing. This variant has not been reported in the literature in individuals affected with DDX58-related conditions. This variant is present in population databases (rs754416719, gnomAD 0.002%). This sequence change falls in intron 15 of the DDX58 gene. It does not directly change the encoded amino acid sequence of the DDX58 protein. It affects a nucleotide within the consensus splice site.

Literature cited by the submitters: PubMed 17576681 (cited by Labcorp Genetics (formerly Invitae), Labcorp); PubMed 9536098 (cited by Labcorp Genetics (formerly Invitae), Labcorp).

NM_014314.4(RIGI):c.2186-3T>C

Gene: RIGI (RNA sensor RIG-I; minus strand). Cytogenetic location: 9p21.1.
Variant type: single nucleotide variant.
Coding change: c.2186-3T>C on transcript NM_014314.4 (MANE Select); 3 bases into the intron before coding-DNA position 2186, T replaced by C.
Molecular consequence: intron variant.
Genome position (GRCh38, 1-based): chr9:32,466,444, A>G on the plus strand (T>C on the coding strand, the complement: RIGI is on the minus strand). VCF-style: chr9-32466444-A-G. GRCh37 (hg19) VCF-style: chr9-32466442-A-G.
Other names: c.1577-3T>C (NM_001385912.1); c.2171-3T>C (NM_001385913.1); c.2180-3T>C (NM_001385907.1); c.2015-3T>C (NM_001385909.1); c.1742-3T>C (NM_001385914.1); c.1745-3T>C (NM_001385910.1).
Identifiers: ClinVar variation 3012829 (VCV003012829.4), dbSNP rs754416719, ClinGen allele CA5019564.